The following is an entry in ClinVar:

NM_000719.7(CACNA1C):c.6104G>A (p.Ser2035Asn)

Genes: CACNA1C (calcium voltage-gated channel subunit alpha1 C; plus strand), CACNA1C-AS1 (CACNA1C antisense RNA 1; minus strand). Cytogenetic location: 12p13.33.
Variant type: single nucleotide variant.
Coding change: c.6104G>A on transcript NM_000719.7 (MANE Select); coding-DNA position 6104, G replaced by A.
Protein change: p.Ser2035Asn; replaces serine 2035 with asparagine.
Molecular consequence: missense variant.
Genome position (GRCh38, 1-based): chr12:2,688,766, G>A. VCF-style: chr12-2688766-G-A. GRCh37 (hg19) VCF-style: chr12-2797932-G-A.
Other names: c.6248G>A, p.Ser2083Asn (NM_001129827.2); c.6227G>A, p.Ser2076Asn (NM_001129829.2); c.6209G>A, p.Ser2070Asn (NM_001129830.3, NM_001167624.3); c.6188G>A, p.Ser2063Asn (NM_001129831.2); c.6164G>A, p.Ser2055Asn (NM_001129832.2); c.6161G>A, p.Ser2054Asn (NM_001129833.2, NM_001129834.2, NM_001129835.2); c.6155G>A, p.Ser2052Asn (NM_001129836.2); c.6128G>A, p.Ser2043Asn (NM_001129837.2, NM_001129838.2); and 6 more; short protein forms S2024N, S2032N, S2035N, S2041N, S2043N, S2052N, S2054N, S2055N.
Identifiers: ClinVar variation 1025749 (VCV001025749.9), dbSNP rs2097653623, ClinGen allele CA383385491.
Genomic context (GRCh38, chr12:2,688,766, plus strand): 5'-CCCTCATGGTGCCCAGCCAGGCTGGGGCCCCAGGGAGGCAGTTCCACGGCAGTGCCAGCA[G>A]CCTGGTGGAAGCGGTAGGTGACTCGCAGATGGGCAGGGGGGAGAGGCCACGGGCAACAAG-3'
Protein context (NP_000710.5, residues 2025-2045): PGRQFHGSAS[Ser2035Asn]LVEAVLISEG

ClinVar aggregate classification (germline): Uncertain significance (1 of 4 stars; one submission).

Conditions:
Long QT syndrome (LQTS). Identifiers: MedGen C0023976, MeSH D008133, MONDO:0002442. Disease mechanism: loss of function. Inheritance: Various modes of inheritance.

Submission:

Labcorp Genetics (formerly Invitae), Labcorp
Classification: Uncertain significance for Long QT syndrome. Last evaluated: 2025-02-19. Review status: criteria provided, single submitter. Criteria: Invitae Variant Classification Sherloc (09022015). Collection method: clinical testing. Allele origin: germline.
Comment: This sequence change replaces serine, which is neutral and polar, with asparagine, which is neutral and polar, at codon 2035 of the CACNA1C protein (p.Ser2035Asn). This variant is not present in population databases (gnomAD no frequency). This variant has not been reported in the literature in individuals affected with CACNA1C-related conditions. ClinVar contains an entry for this variant (Variation ID: 1025749). Invitae Evidence Modeling of protein sequence and biophysical properties (such as structural, functional, and spatial information, amino acid conservation, physicochemical variation, residue mobility, and thermodynamic stability) indicates that this missense variant is not expected to disrupt CACNA1C protein function with a negative predictive value of 95%. In summary, the available evidence is currently insufficient to determine the role of this variant in disease. Therefore, it has been classified as a Variant of Uncertain Significance.